The following is an entry in ClinVar:

ClinVar aggregate classification (germline): Conflicting classifications of pathogenicity. Review status: criteria provided, conflicting classifications (1 of 4 stars). 10 submissions from 9 submitters: Uncertain significance (1); Benign (2); Likely benign (3). 4 of the submissions do not count toward it. Last evaluated 2026-06-01.

Conditions:
ELN-related disorder.
Cutis laxa, autosomal dominant. Also called: Cutis laxa, dominant type. Identifiers: Orphanet 90348, MedGen C0268350, MONDO:0019571.
Williams syndrome (WBS). Also called: WILLIAMS-BEUREN SYNDROME; CHROMOSOME 7q11.23 DELETION SYNDROME, 1.5- TO 1.8-MB. Identifiers: Orphanet 904, MedGen C0175702, MONDO:0008678, OMIM 194050. Disease mechanism: loss of function.
Supravalvar aortic stenosis (SVAS). Also called: Supravalvar aortic stenosis, Eisenberg type. Identifiers: Orphanet 3193, MedGen C0003499, MONDO:0008504, OMIM 185500, HP:0004381.
Cutis laxa, autosomal dominant 1 (ADCL1). Also called: ELN-Related Cutis Laxa. Identifiers: Orphanet 90348, MedGen C3276539, MONDO:0007411, OMIM 123700. Disease mechanism: Dominant Negative.

Allele frequency attached by ClinVar (database versions not stated): ESP Exome Variant Server 0.00023; gnomAD 0.00031 and 0.00037; TOPMed 0.00032; gnomAD exomes 0.00033 and 0.00043; ExAC 0.00044.
gnomAD v4.1: 563 of 1,613,806 alleles (0.035%); highest among the groups gnomAD compares: Middle Eastern, 1.6%; 4 homozygotes.

Submissions (10):

CeGaT Center for Human Genetics Tuebingen
Classification: Benign. Last evaluated: 2026-06-01. Review status: criteria provided, single submitter. Criteria: CeGaT Center For Human Genetics Tuebingen Variant Classification Criteria Version 2. Collection method: clinical testing. Allele origin: germline. Affected: yes. Observed: 5 variant alleles.
Comment: ELN: BP4, BS1, BS2

Labcorp Genetics (formerly Invitae), Labcorp
Classification: Uncertain significance for Supravalvar aortic stenosis. Last evaluated: 2026-01-27. Review status: criteria provided, single submitter. Criteria: Invitae Variant Classification Sherloc (09022015). Collection method: clinical testing. Allele origin: germline.
Comment: This sequence change replaces proline, which is neutral and non-polar, with serine, which is neutral and polar, at codon 729 of the ELN protein (p.Pro729Ser). This variant is present in population databases (rs142316834, gnomAD 0.08%), and has an allele count higher than expected for a pathogenic variant. This variant has not been reported in the literature in individuals affected with ELN-related conditions. ClinVar contains an entry for this variant (Variation ID: 213166). Invitae Evidence Modeling of protein sequence and biophysical properties (such as structural, functional, and spatial information, amino acid conservation, physicochemical variation, residue mobility, and thermodynamic stability) indicates that this missense variant is not expected to disrupt ELN protein function with a negative predictive value of 80%. In summary, the available evidence is currently insufficient to determine the role of this variant in disease. Therefore, it has been classified as a Variant of Uncertain Significance.

Blueprint Genetics
Classification: Likely benign. Last evaluated: 2024-11-08. Review status: criteria provided, single submitter. Criteria: ACMG Guidelines, 2015. Collection method: clinical testing. Allele origin: germline.

GeneDx
Classification: Likely benign. Last evaluated: 2020-09-17. Review status: criteria provided, single submitter. Criteria: GeneDx Variant Classification Process June 2021. Collection method: clinical testing. Allele origin: germline. Affected: yes.
Comment: This variant is associated with the following publications: (PMID: 26343384)

Illumina Laboratory Services, Illumina
Classification: Benign for Cutis laxa, autosomal dominant 1. Last evaluated: 2018-01-12. Review status: criteria provided, single submitter. Criteria: ICSL Variant Classification Criteria 13 December 2019. Collection method: clinical testing. Allele origin: germline.
Comment: This variant was observed in the ICSL laboratory as part of a predisposition screen in an ostensibly healthy population. It had not been previously curated by ICSL or reported in the Human Gene Mutation Database (HGMD: prior to June 1st, 2018), and was therefore a candidate for classification through an automated scoring system. Utilizing variant allele frequency, disease prevalence and penetrance estimates, and inheritance mode, an automated score was calculated to assess if this variant is too frequent to cause the disease. Based on the score and internal cut-off values, a variant classified as benign is not then subjected to further curation. The score for this variant resulted in a classification of benign for this disease.

Illumina Laboratory Services, Illumina
Classification: Likely benign for Supravalvar aortic stenosis. Last evaluated: 2018-01-12. Review status: criteria provided, single submitter. Criteria: ICSL Variant Classification Criteria 13 December 2019. Collection method: clinical testing. Allele origin: germline.
Comment: This variant was observed in the ICSL laboratory as part of a predisposition screen in an ostensibly healthy population. It had not been previously curated by ICSL or reported in the Human Gene Mutation Database (HGMD: prior to June 1st, 2018), and was therefore a candidate for classification through an automated scoring system. Utilizing variant allele frequency, disease prevalence and penetrance estimates, and inheritance mode, an automated score was calculated to assess if this variant is too frequent to cause the disease. Based on the score and internal cut-off values, a variant classified as likely benign is not then subjected to further curation. The score for this variant resulted in a classification of likely benign for this disease.

PreventionGenetics, part of Exact Sciences
Classification: Likely benign for ELN-related condition. Last evaluated: 2021-06-28. Review status: no assertion criteria provided. Collection method: clinical testing. Allele origin: germline. Not counted in ClinVar's aggregate classification.
Comment: This variant is classified as likely benign based on ACMG/AMP sequence variant interpretation guidelines (Richards et al. 2015 PMID: 25741868, with internal and published modifications).

Clinical Genetics DNA and cytogenetics Diagnostics Lab, Erasmus MC, Erasmus Medical Center
Classification: Likely benign. Review status: no assertion criteria provided. Collection method: clinical testing. Allele origin: germline. Affected: yes. Study: VKGL Data-share Consensus. Not counted in ClinVar's aggregate classification.

Genome Diagnostics Laboratory, Amsterdam University Medical Center
Classification: Likely benign. Review status: no assertion criteria provided. Collection method: clinical testing. Allele origin: germline. Affected: yes. Study: VKGL Data-share Consensus. Not counted in ClinVar's aggregate classification.

Genome Diagnostics Laboratory, University Medical Center Utrecht
Classification: Likely benign. Review status: no assertion criteria provided. Collection method: clinical testing. Allele origin: germline. Affected: yes. Study: VKGL Data-share Consensus. Not counted in ClinVar's aggregate classification.

NM_000501.4(ELN):c.1999C>T (p.Pro667Ser)

Gene: ELN (elastin; plus strand). Cytogenetic location: 7q11.23.
Variant type: single nucleotide variant.
Coding change: c.1999C>T on transcript NM_000501.4 (MANE Select); coding-DNA position 1999, C replaced by T.
Protein change: p.Pro667Ser; replaces proline 667 with serine.
Molecular consequence: missense variant.
Genome position (GRCh38, 1-based): chr7:74,065,699, C>T. VCF-style: chr7-74065699-C-T. GRCh37 (hg19) VCF-style: chr7-73480029-C-T.
Other names: p.P667S:CCT>TCT; c.1912C>T, p.Pro638Ser (NM_001081752.3); c.1957C>T, p.Pro653Ser (NM_001081753.3); c.2014C>T, p.Pro672Ser (NM_001081754.3); c.1942C>T, p.Pro648Ser (NM_001081755.3); c.1999C>T, p.Pro667Ser (NM_001278912.2); c.1756C>T, p.Pro586Ser (NM_001278913.2); c.1927C>T, p.Pro643Ser (NM_001278914.2); and 5 more; short protein forms P667S, P657S, P586S, P673S, P619S, P648S, P653S, P672S.
Identifiers: ClinVar variation 213166 (VCV000213166.50), dbSNP rs142316834, ClinGen allele CA321710.